The following is an entry in ClinVar:

ClinVar aggregate classification (germline): Uncertain significance (1 of 4 stars; one submission).

Allele frequency attached by ClinVar (database versions not stated): gnomAD 0.00001.
gnomAD v4.1: 2 of 1,502,940 alleles (0.00013%); highest among the groups gnomAD compares: African/African-American, 0.0014%; no homozygotes.

Submission:

Labcorp Genetics (formerly Invitae), Labcorp
Classification: Uncertain significance. Last evaluated: 2022-07-19. Review status: criteria provided, single submitter. Criteria: Invitae Variant Classification Sherloc (09022015). Collection method: clinical testing. Allele origin: germline.
Comment: In summary, the available evidence is currently insufficient to determine the role of this variant in disease. Therefore, it has been classified as a Variant of Uncertain Significance. Algorithms developed to predict the effect of missense changes on protein structure and function are either unavailable or do not agree on the potential impact of this missense change (SIFT: "Deleterious"; PolyPhen-2: "Benign"; Align-GVGD: "Class C0"). This variant has not been reported in the literature in individuals affected with RTTN-related conditions. This variant is not present in population databases (gnomAD no frequency). This sequence change replaces aspartic acid, which is acidic and polar, with glycine, which is neutral and non-polar, at codon 281 of the RTTN protein (p.Asp281Gly).

NM_173630.4(RTTN):c.842A>G (p.Asp281Gly)

Gene: RTTN (rotatin; minus strand). Cytogenetic location: 18q22.2.
Variant type: single nucleotide variant.
Coding change: c.842A>G on transcript NM_173630.4 (MANE Select); coding-DNA position 842, A replaced by G.
Protein change: p.Asp281Gly; replaces aspartic acid 281 with glycine.
Molecular consequence: missense variant. On other transcripts: 5 prime UTR variant (1).
Genome position (GRCh38, 1-based): chr18:70,193,453, T>C on the plus strand (A>G on the coding strand, the complement: RTTN is on the minus strand). VCF-style: chr18-70193453-T-C. GRCh37 (hg19) VCF-style: chr18-67860689-T-C.
Other names: c.-1712A>G (NM_001318520.2); short protein forms D281G.
Identifiers: ClinVar variation 1940433 (VCV001940433.5), dbSNP rs2061729528, ClinGen allele CA402699703.